The following is an entry in ClinVar:

NM_001018005.2(TPM1):c.-10C>T

Gene: TPM1 (tropomyosin 1; plus strand). Cytogenetic location: 15q22.2.
Variant type: single nucleotide variant.
Coding change: c.-10C>T on transcript NM_001018005.2 (MANE Select); 10 bases upstream of the start codon, C replaced by T.
Molecular consequence: 5 prime UTR variant. On other transcripts: non-coding transcript variant (11).
Genome position (GRCh38, 1-based): chr15:63,042,820, C>T. VCF-style: chr15-63042820-C-T. GRCh37 (hg19) VCF-style: chr15-63335019-C-T.
Other names: c.-10C>T (NM_000366.6, NM_001018004.2, NM_001018006.2 and 24 more transcripts).
Identifiers: ClinVar variation 2774658 (VCV002774658.2), dbSNP rs1034848166, ClinGen allele CA272020091.
Genomic context (GRCh38, chr15:63,042,820, plus strand): 5'-CTCCTCCGCCCGACCGCGCGCTCGCCCCGCCGCTCCTGCTGCAGCCCCAGGGCCCCTCGC[C>T]GCCGCCACCATGGACGCCATCAAGAAGAAGATGCAGATGCTGAAGCTCGACAAGGAGAAC-3'

ClinVar aggregate classification (germline): Uncertain significance (1 of 4 stars; one submission).

Conditions:
Cardiomyopathy (CMYO). Also called: Cardiomyopathies. Identifiers: Orphanet 167848, MedGen C0878544, MONDO:0004994, HP:0001638. Inheritance: Various modes of inheritance.

Allele frequency attached by ClinVar (database versions not stated): TOPMed below 0.00001; gnomAD 0.00001.
gnomAD v4.1: 2 of 1,611,508 alleles (0.00012%); highest among the groups gnomAD compares: African/African-American, 0.0013%; no homozygotes.

Submission:

Color Diagnostics, LLC DBA Color Health
Classification: Uncertain significance for Cardiomyopathy. Last evaluated: 2021-11-17. Review status: criteria provided, single submitter. Criteria: ACMG Guidelines, 2015. Collection method: clinical testing. Allele origin: germline.
Comment: This variant changes 1 nucleotide in the 5' untranslated region of the TPM1 gene. To our knowledge, functional studies have not been reported for this variant. This variant has not been reported in individuals affected with cardiovascular disorders in the literature. This variant has not been identified in the general population by the Genome Aggregation Database (gnomAD). The available evidence is insufficient to determine the role of this variant in disease conclusively. Therefore, this variant is classified as a Variant of Uncertain Significance.